The following is an entry in ClinVar:

NM_002529.4(NTRK1):c.360-5C>T

Gene: NTRK1 (neurotrophic receptor tyrosine kinase 1; plus strand). Cytogenetic location: 1q23.1.
Variant type: single nucleotide variant.
Coding change: c.360-5C>T on transcript NM_002529.4 (MANE Select); 5 bases into the intron before coding-DNA position 360, C replaced by T.
Molecular consequence: intron variant.
Genome position (GRCh38, 1-based): chr1:156,866,905, C>T. VCF-style: chr1-156866905-C-T. GRCh37 (hg19) VCF-style: chr1-156836697-C-T.
Other names: c.270-5C>T (NM_001007792.1); c.360-5C>T (NM_001012331.2).
Identifiers: ClinVar variation 1622504 (VCV001622504.29), dbSNP rs377069358, ClinGen allele CA1168938.
Genomic context (GRCh38, chr1:156,866,905, plus strand): 5'-CATTCTGGTCAGAGTGAGGTCGGGTCACTCAAGGGGTCTGTCTTGCTGTGTCTCCACGCC[C>T]GCAGGAATCTCTCCTTCAACGCTCTGGAGTCTCTCTCCTGGAAAACTGTGCAGGGCCTCT-3'

ClinVar aggregate classification (germline): Conflicting classifications of pathogenicity. Review status: criteria provided, conflicting classifications (1 of 4 stars). 2 submissions from 2 submitters: Uncertain significance (1); Likely benign (1). Last evaluated 2025-12-30.

Conditions:
Hereditary insensitivity to pain with anhidrosis (CIPA). Also called: INSENSITIVITY TO PAIN, CONGENITAL, WITH ANHIDROSIS; FAMILIAL DYSAUTONOMIA, TYPE II; NEUROPATHY, CONGENITAL SENSORY, WITH ANHIDROSIS; hereditary sensory and autonomic neuropathy type 4; NTRK1 Congenital Insensitivity to Pain with Anhidrosis; HSAN Type IV. Identifiers: Orphanet 642, MedGen C0020074, MONDO:0009746, OMIM 256800.

Allele frequency attached by ClinVar (database versions not stated): gnomAD 0.00001 and 0.00003; gnomAD exomes 0.00003 and 0.00004; TOPMed 0.00003; ExAC 0.00005; ESP Exome Variant Server 0.00008; 1000 Genomes Project 30x 0.00016; 1000 Genomes Project 0.00020.
gnomAD v4.1: 49 of 1,614,120 alleles (0.003%); highest among the groups gnomAD compares: Middle Eastern, 0.066%; no homozygotes.

Submissions (2):

Labcorp Genetics (formerly Invitae), Labcorp
Classification: Likely benign for Hereditary insensitivity to pain with anhidrosis. Last evaluated: 2025-12-30. Review status: criteria provided, single submitter. Criteria: Invitae Variant Classification Sherloc (09022015). Collection method: clinical testing. Allele origin: germline.

CeGaT Center for Human Genetics Tuebingen
Classification: Uncertain significance. Last evaluated: 2024-03-01. Review status: criteria provided, single submitter. Criteria: CeGaT Center For Human Genetics Tuebingen Variant Classification Criteria Version 2. Collection method: clinical testing. Allele origin: germline. Affected: yes. Observed: 1 variant allele.
Comment: NTRK1: PM2, BP4